The following is an entry in ClinVar:

ClinVar aggregate classification (germline): Likely pathogenic. Review status: reviewed by expert panel (3 of 4 stars). 2 submissions from 2 submitters: Likely pathogenic (1). 1 of the submissions does not count toward it. Last evaluated 2018-12-10.

Conditions:
Phenylketonuria (PKU). Also called: OLIGOPHRENIA PHENYLPYRUVICA; Phenylketonurias; FOLLING DISEASE; Phenylketonuria (PKU). Identifiers: Orphanet 716, MedGen C0031485, MONDO:0009861, OMIM 261600. Disease mechanism: loss of function.

Submissions (2):

ClinGen PAH Variant Curation Expert Panel
Classification: Likely pathogenic for Phenylketonuria. Last evaluated: 2018-12-10. Review status: reviewed by expert panel. Criteria: ClinGen PAH ACMG Specifications v1. Collection method: curation. Allele origin: germline. Inheritance: Autosomal recessive inheritance.
Comment: BH4 deficiency was assessed. (PMID: 26503515) It is absent from ExAC, gnomAD, 1000G, and ESP. Computational evidence is conflicting. Another missense change at this amino acid is interpreted as likely pathogenic by our PAH VCEP, c.224A>T (p.Asp75Val). In summary, this variant meets criteria to be classified as likely pathogenic for PAH. PAH-specific ACMG/AMP criteria applied: PM2, PM5, PP4.

Juno Genomics, Hangzhou Juno Genomics, Inc
Classification: Uncertain significance for Phenylketonuria. Review status: criteria provided, single submitter. Criteria: ACMG Guidelines, 2015. Collection method: clinical testing. Allele origin: germline. Affected: yes. Not counted in ClinVar's aggregate classification.
Comment: Absent from controls (or at extremely low frequency if recessive) in Genome Aggregation Database, Exome Sequencing Project, 1000 Genomes Project, or Exome Aggregation Consortium.;Novel missense change at an amino acid residue where a different missense change determined to be pathogenic has been seen before.;Patient's phenotype or family history is highly specific for a disease with a single genetic etiology.;For recessive disorders, detected in trans with a pathogenic variant.

Literature cited by the submitters: PubMed 25456745 (cited by ClinGen PAH Variant Curation Expert Panel); PubMed 26503515 (cited by ClinGen PAH Variant Curation Expert Panel).

NM_000277.3(PAH):c.224A>G (p.Asp75Gly)

Gene: PAH (phenylalanine hydroxylase; minus strand). Cytogenetic location: 12q23.2.
Variant type: single nucleotide variant.
Coding change: c.224A>G on transcript NM_000277.3 (MANE Select); coding-DNA position 224, A replaced by G.
Protein change: p.Asp75Gly; replaces aspartic acid 75 with glycine.
Molecular consequence: missense variant.
Genome position (GRCh38, 1-based): chr12:102,894,863, T>C on the plus strand (A>G on the coding strand, the complement: PAH is on the minus strand). VCF-style: chr12-102894863-T-C. GRCh37 (hg19) VCF-style: chr12-103288641-T-C.
Other names: c.224A>G, p.Asp75Gly (NM_001354304.2); short protein forms D75G.
Identifiers: ClinVar variation 619158 (VCV000619158.4), dbSNP rs1565866547, ClinGen allele CA16020750.